The following is an entry in ClinVar:

ClinVar aggregate classification (germline): Pathogenic. Review status: criteria provided, multiple submitters, no conflicts (2 of 4 stars). 3 submissions from 3 submitters: Pathogenic (3). Last evaluated 2026-06-01.

Conditions:
Breast-ovarian cancer, familial, susceptibility to, 2 (BROVCA2). Also called: BRCA2 Hereditary Breast and Ovarian Cancer. Identifiers: Orphanet 145, MedGen C2675520, MONDO:0012933, OMIM 612555. Disease mechanism: loss of function.
Hereditary breast ovarian cancer syndrome. Also called: Hereditary breast and/or ovarian cancer syndrome; BRCA1- and BRCA2-Associated Hereditary Breast and Ovarian Cancer; Hereditary breast and ovarian cancer syndrome; Hereditary breast and ovarian cancer; Hereditary breast and ovarian cancer syndrome (HBOC); Breast and ovarian cancer. Identifiers: Orphanet 145, MedGen C0677776, MeSH D061325, MONDO:0003582. Disease mechanism: loss of function.
Hereditary cancer-predisposing syndrome. Also called: Neoplastic Syndromes, Hereditary; Tumor predisposition; Hereditary neoplastic syndrome; Hereditary Cancer Syndrome. Identifiers: Orphanet 140162, MedGen C0027672, MeSH D009386, MONDO:0015356.

Submissions (3):

Myriad Genetics, Inc.
Classification: Pathogenic for Breast-ovarian cancer, familial, susceptibility to, 2. Last evaluated: 2026-06-01. Review status: criteria provided, single submitter. Criteria: Myriad Autosomal Dominant, Autosomal Recessive and X-Linked Classification Criteria (2023). Collection method: clinical testing. Allele origin: unknown.
Comment: This variant is considered pathogenic. This variant creates a frameshift predicted to result in premature protein truncation.

Ambry Genetics
Classification: Pathogenic for Hereditary cancer-predisposing syndrome. Last evaluated: 2025-11-05. Review status: criteria provided, single submitter. Criteria: Ambry Variant Classification Scheme 2023. Collection method: clinical testing. Allele origin: germline.
Comment: The c.6014_6017dupATAG pathogenic mutation, located in coding exon 10 of the BRCA2 gene, results from a duplication of ATAG at nucleotide position 6014, causing a translational frameshift with a predicted alternate stop codon (p.S2006Rfs*2). This variant is considered to be rare based on population cohorts in the Genome Aggregation Database (gnomAD). This alteration is expected to result in loss of function by premature protein truncation or nonsense-mediated mRNA decay. As such, this alteration is interpreted as a disease-causing mutation.

Labcorp Genetics (formerly Invitae), Labcorp
Classification: Pathogenic for Hereditary breast ovarian cancer syndrome. Last evaluated: 2025-09-09. Review status: criteria provided, single submitter. Criteria: Invitae Variant Classification Sherloc (09022015). Collection method: clinical testing. Allele origin: germline.
Comment: This sequence change creates a premature translational stop signal (p.Ser2006delinsArg*) in the BRCA2 gene. It is expected to result in an absent or disrupted protein product. Loss-of-function variants in BRCA2 are known to be pathogenic (PMID: 20104584). This variant is not present in population databases (gnomAD no frequency). This variant has not been reported in the literature in individuals affected with BRCA2-related conditions. For these reasons, this variant has been classified as Pathogenic.

Literature cited by the submitters: PubMed 20104584 (cited by Labcorp Genetics (formerly Invitae), Labcorp).

NM_000059.4(BRCA2):c.6014_6017dup (p.Ser2006delinsArgTer)

Gene: BRCA2 (BRCA2 DNA repair associated; plus strand). Cytogenetic location: 13q13.1.
Variant type: Duplication.
Coding change: c.6014_6017dup on transcript NM_000059.4 (MANE Select); coding-DNA positions 6014 to 6017, 4 bases duplicated (ATAG; older notation c.6014_6017dupATAG).
Protein change: p.Ser2006delinsArgTer.
Molecular consequence: nonsense. On other transcripts: frameshift variant (1), non-coding transcript variant (1), intron variant (2).
Genome position (GRCh38, 1-based): chr13:32,340,369-32,340,372, ATAG duplicated; duplicating any 4 consecutive bases within chr13:32,340,367-32,340,372 gives the same sequence; the c. name uses the placement nearest the transcript's 3' end. VCF-style (leftmost placement, unchanged base first): chr13-32340366-A-AAGAT. GRCh37 (hg19) VCF-style: chr13-32914503-A-AAGAT.
Other names: c.6014_6017dupATAG (NM_000059.3); c.6014_6017dup, p.Ser2006delinsArgTer (NM_001406719.1, NM_001406720.1, NM_001432077.1); c.1910-4189_1910-4186dup (NM_001406721.1); c.425-4189_425-4186dup (NM_001406722.1).
Identifiers: ClinVar variation 4628973 (VCV004628973.3).
Genomic context (GRCh38, chr13:32,340,366, plus strand): 5'-AATCTGTCCAGGTATCAGATGCTTCATTACAAAACGCAAGACAAGTGTTTTCTGAAATAG[A>AAGAT]AGATAGTACCAAGCAAGTCTTTTCCAAAGTATTGTTTAAAAGTAACGAACATTCAGACCA-3'